The following is an entry in ClinVar:

ClinVar aggregate classification (germline): Pathogenic (1 of 4 stars; one submission).

Conditions:
GRN-related frontotemporal lobar degeneration with Tdp43 inclusions (FTD2). Also called: GRN Frontotemporal Dementia; FRONTOTEMPORAL DEMENTIA WITH TDP43 INCLUSIONS, GRN-RELATED; DEMENTIA, HEREDITARY DYSPHASIC DISINHIBITION; FRONTOTEMPORAL LOBAR DEGENERATION WITH UBIQUITIN-POSITIVE INCLUSIONS; FTLD-TDP, GRN-RELATED. Identifiers: Orphanet 100070, Orphanet 282, MedGen C1843792, MONDO:0011842, OMIM 607485. Disease mechanism: loss of function.
Neuronal ceroid lipofuscinosis 11. Also called: GRN-Related Neuronal Ceroid-Lipofuscinosis. Identifiers: Orphanet 314629, Orphanet 79262, MedGen C3539123, MONDO:0013866, OMIM 614706.

Submission:

Labcorp Genetics (formerly Invitae), Labcorp
Classification: Pathogenic for Neuronal ceroid lipofuscinosis 11; GRN-related frontotemporal lobar degeneration with Tdp43 inclusions. Last evaluated: 2023-11-01. Review status: criteria provided, single submitter. Criteria: Invitae Variant Classification Sherloc (09022015). Collection method: clinical testing. Allele origin: germline.
Comment: This sequence change creates a premature translational stop signal (p.Trp2*) in the GRN gene. It is expected to result in an absent or disrupted protein product. Loss-of-function variants in GRN are known to be pathogenic (PMID: 16862116, 16950801, 22608501). This variant is not present in population databases (gnomAD no frequency). This premature translational stop signal has been observed in individual(s) with frontotemporal dementia (PMID: 30545478). For these reasons, this variant has been classified as Pathogenic.

Literature cited by the submitters: PubMed 16862116; PubMed 16950801; PubMed 22608501; PubMed 30545478.

NM_002087.4(GRN):c.5G>A (p.Trp2Ter)

Gene: GRN (granulin precursor; plus strand). Cytogenetic location: 17q21.31.
Variant type: single nucleotide variant.
Coding change: c.5G>A on transcript NM_002087.4 (MANE Select); coding-DNA position 5, G replaced by A.
Protein change: p.Trp2Ter; replaces tryptophan 2 with a stop codon.
Molecular consequence: nonsense.
Genome position (GRCh38, 1-based): chr17:44,349,169, G>A. VCF-style: chr17-44349169-G-A. GRCh37 (hg19) VCF-style: chr17-42426537-G-A.
Other names: short protein forms W2*.
Identifiers: ClinVar variation 2928811 (VCV002928811.3), dbSNP rs2510054161, ClinGen allele CA399758978.